The following is an entry in ClinVar:

NM_015512.5(DNAH1):c.8518C>T (p.Leu2840=)

Gene: DNAH1 (dynein axonemal heavy chain 1; plus strand). Cytogenetic location: 3p21.1.
Variant type: single nucleotide variant.
Coding change: c.8518C>T on transcript NM_015512.5 (MANE Select); coding-DNA position 8518, C replaced by T.
Protein change: p.Leu2840=; no amino-acid change (leucine 2840 retained).
Molecular consequence: synonymous variant.
Genome position (GRCh38, 1-based): chr3:52,385,340, C>T. VCF-style: chr3-52385340-C-T. GRCh37 (hg19) VCF-style: chr3-52419356-C-T.
Identifiers: ClinVar variation 748099 (VCV000748099.11), dbSNP rs201329380, ClinGen allele CA2435242.

ClinVar aggregate classification (germline): Likely benign. Review status: criteria provided, single submitter (1 of 4 stars). 2 submissions from 2 submitters: Likely benign (1). 1 of the submissions does not count toward it. Last evaluated 2025-09-14.

Conditions:
DNAH1-related disorder. Also called: DNAH1-related condition.
Spermatogenic failure 18. Identifiers: MedGen C4539783, MONDO:0054615, OMIM 617576.
Ciliary dyskinesia, primary, 37 (CILD37). Also called: CILIARY DYSKINESIA, PRIMARY, 37, WITH OR WITHOUT SITUS INVERSUS. Identifiers: MedGen C4539798, MONDO:0033204, OMIM 617577.

Allele frequency attached by ClinVar (database versions not stated): gnomAD exomes 0.00004 and 0.00001; TOPMed 0.00032; 1000 Genomes Project 0.00060; ExAC 0.00014; gnomAD 0.00018; 1000 Genomes Project 30x 0.00047.
gnomAD v4.1: 48 of 1,552,116 alleles (0.0031%); highest among the groups gnomAD compares: Admixed American, 0.067%; no homozygotes.

Submissions (2):

Labcorp Genetics (formerly Invitae), Labcorp
Classification: Likely benign for Ciliary dyskinesia, primary, 37; Spermatogenic failure 18. Last evaluated: 2025-09-14. Review status: criteria provided, single submitter. Criteria: Invitae Variant Classification Sherloc (09022015). Collection method: clinical testing. Allele origin: germline.

PreventionGenetics, part of Exact Sciences
Classification: Likely benign for DNAH1-related condition. Last evaluated: 2020-03-02. Review status: no assertion criteria provided. Collection method: clinical testing. Allele origin: germline. Not counted in ClinVar's aggregate classification.
Comment: This variant is classified as likely benign based on ACMG/AMP sequence variant interpretation guidelines (Richards et al. 2015 PMID: 25741868, with internal and published modifications).